The following is an entry in ClinVar:

ClinVar aggregate classification (germline): Uncertain significance. Review status: criteria provided, multiple submitters, no conflicts (2 of 4 stars). 2 submissions from 2 submitters: Uncertain significance (2). Last evaluated 2024-06-22.

Conditions:
Amyotrophic lateral sclerosis type 23. Identifiers: MedGen C4693381, MONDO:0027694, OMIM 617839.
Inclusion body myopathy and brain white matter abnormalities (IBMWMA). Also called: MULTISYSTEM PROTEINOPATHY 6. Identifiers: MedGen C5676909, MONDO:0850514, OMIM 619733.

Allele frequency attached by ClinVar (database versions not stated): gnomAD exomes 0.00003; ExAC 0.00006; TOPMed 0.00006; gnomAD 0.00008.
gnomAD v4.1: 51 of 1,601,696 alleles (0.0032%); highest among the groups gnomAD compares: Admixed American, 0.037%; no homozygotes.

Submissions (2):

Labcorp Genetics (formerly Invitae), Labcorp
Classification: Uncertain significance. Last evaluated: 2024-06-22. Review status: criteria provided, single submitter. Criteria: Invitae Variant Classification Sherloc (09022015). Collection method: clinical testing. Allele origin: germline.
Comment: This sequence change falls in intron 6 of the ANXA11 gene. It does not directly change the encoded amino acid sequence of the ANXA11 protein. It affects a nucleotide within the consensus splice site. This variant is present in population databases (rs772725616, gnomAD 0.03%), and has an allele count higher than expected for a pathogenic variant. This variant has been observed in individual(s) with amyotrophic lateral sclerosis (PMID: 35896380). ClinVar contains an entry for this variant (Variation ID: 1943820). Variants that disrupt the consensus splice site are a relatively common cause of aberrant splicing (PMID: 17576681, 9536098). In summary, the available evidence is currently insufficient to determine the role of this variant in disease. Therefore, it has been classified as a Variant of Uncertain Significance.

Department of Pathology and Laboratory Medicine, Sinai Health System
Classification: Uncertain significance for Amyotrophic lateral sclerosis type 23; Inclusion body myopathy and brain white matter abnormalities. Last evaluated: 2022-06-24. Review status: criteria provided, single submitter. Criteria: ACMG Guidelines, 2015. Collection method: research. Allele origin: germline.

Literature cited by the submitters: PubMed 35896380 (cited by Labcorp Genetics (formerly Invitae), Labcorp); PubMed 17576681 (cited by Labcorp Genetics (formerly Invitae), Labcorp); PubMed 9536098 (cited by Labcorp Genetics (formerly Invitae), Labcorp).

NM_145868.2(ANXA11):c.744+2C>T

Gene: ANXA11 (annexin A11; minus strand). Cytogenetic location: 10q22.3.
Variant type: single nucleotide variant.
Coding change: c.744+2C>T on transcript NM_145868.2 (MANE Select); the canonical splice donor site of the intron after coding-DNA position 744, C replaced by T.
Molecular consequence: splice donor variant.
Genome position (GRCh38, 1-based): chr10:80,166,888, G>A on the plus strand (C>T on the coding strand, the complement: ANXA11 is on the minus strand). VCF-style: chr10-80166888-G-A. GRCh37 (hg19) VCF-style: chr10-81926644-G-A.
Other names: c.744+2C>T (NM_001278407.2, NM_001157.3, NM_145869.2 and 1 more transcripts); c.645+2C>T (NM_001278409.2).
Identifiers: ClinVar variation 1943820 (VCV001943820.6), dbSNP rs772725616, ClinGen allele CA5576163.